The following is an entry in ClinVar:

NM_152564.5(VPS13B):c.2383A>G (p.Asn795Asp)

Gene: VPS13B (vacuolar protein sorting 13 homolog B; plus strand). Cytogenetic location: 8q22.2.
Variant type: single nucleotide variant.
Coding change: c.2383A>G on transcript NM_152564.5 (MANE Select); coding-DNA position 2383, A replaced by G.
Protein change: p.Asn795Asp; replaces asparagine 795 with aspartic acid.
Molecular consequence: missense variant.
Genome position (GRCh38, 1-based): chr8:99,192,925, A>G. VCF-style: chr8-99192925-A-G. GRCh37 (hg19) VCF-style: chr8-100205153-A-G.
Other names: c.2383A>G (NM_152564.4); c.2383A>G, p.Asn795Asp (NM_015243.3, NM_017890.5); short protein forms N795D.
Identifiers: ClinVar variation 589254 (VCV000589254.6), dbSNP rs781012935, ClinGen allele CA4822898.
Genomic context (GRCh38, chr8:99,192,925, plus strand): 5'-TTCTTGTGCAGGACCAAAAGATCTCAGATTGCTATAACTGAAGGTATATTTGAACTTCCA[A>G]ATCTCACAATTCAAGCTACAAGAGCACAGACACTTCTCTTGCAAGCAATATATCAAAGTT-3'
Protein context (NP_689777.3, residues 785-805): AITEGIFELP[Asn795Asp]LTIQATRAQT

ClinVar aggregate classification (germline): Uncertain significance. Review status: criteria provided, multiple submitters, no conflicts (2 of 4 stars). 2 submissions from 2 submitters: Uncertain significance (2). Last evaluated 2026-08-31.

Conditions:
Inborn genetic diseases. Identifiers: MedGen C0950123, MeSH D030342.
VPS13B-related disorder. Also called: VPS13B-related condition.

Allele frequency attached by ClinVar (database versions not stated): gnomAD 0.00001.
gnomAD v4.1: 14 of 1,613,470 alleles (0.00087%); highest among the groups gnomAD compares: African/African-American, 0.004%; no homozygotes.

Submissions (2):

PreventionGenetics, part of Exact Sciences
Classification: Uncertain significance for VPS13B-related condition. Last evaluated: 2026-08-31. Review status: criteria provided, single submitter. Criteria: ACMG Guidelines, 2015. Collection method: clinical testing. Allele origin: germline.
Comment: The VPS13B c.2383A>G variant is predicted to result in the amino acid substitution p.Asn795Asp. To our knowledge, this variant has not been reported in the literature. This variant is predicted to alter splicing based on available splicing prediction programs (SpliceAI, Jaganathan et al. 2019. PubMed ID: 30661751). However, the use of computer prediction programs is not equivalent to functional evidence. This variant is reported in 0.00088% of alleles in individuals of European (Non-Finnish) descent in gnomAD. At this time, the clinical significance of this variant is uncertain due to the absence of conclusive functional and genetic evidence.

Ambry Genetics
Classification: Uncertain significance for Inborn genetic diseases. Last evaluated: 2016-04-08. Review status: criteria provided, single submitter. Criteria: Ambry Variant Classification Scheme 2023. Collection method: clinical testing. Allele origin: germline.
Comment: The p.N795D variant (also known as c.2383A>G), located in coding exon 16 of the VPS13B gene, results from an A to G substitution at nucleotide position 2383. The asparagine at codon 795 is replaced by aspartic acid, an amino acid with highly similar properties. This variant was not reported in population based cohorts in the following databases: Database of Single Nucleotide Polymorphisms (dbSNP), NHLBI Exome Sequencing Project (ESP), and 1000 Genomes Project. In the ESP, this variant was not observed in 6503 samples (13006 alleles) with coverage at this position. This amino acid position is not well conserved in available vertebrate species. In addition, this alteration is predicted to be tolerated by in silico analysis. Since supporting evidence is limited at this time, the clinical significance of this alteration remains unclear.